The following is an entry in ClinVar:

ClinVar aggregate classification (germline): Likely benign (0 of 4 stars; one submission).

Conditions:
SDCCAG8-related disorder. Also called: SDCCAG8-Related Disorders; SDCCAG8-related condition.

gnomAD v4.1: 1 of 1,614,054 alleles (0.000062%); highest among the groups gnomAD compares: South Asian, 0.0011%; no homozygotes.

Submission:

PreventionGenetics, part of Exact Sciences
Classification: Likely benign for SDCCAG8-related condition. Last evaluated: 2021-05-18. Review status: no assertion criteria provided. Collection method: clinical testing. Allele origin: germline.
Comment: This variant is classified as likely benign based on ACMG/AMP sequence variant interpretation guidelines (Richards et al. 2015 PMID: 25741868, with internal and published modifications).

NM_006642.5(SDCCAG8):c.1069-10A>G

Gene: SDCCAG8 (SHH signaling and ciliogenesis regulator SDCCAG8; plus strand). Cytogenetic location: 1q43.
Variant type: single nucleotide variant.
Coding change: c.1069-10A>G on transcript NM_006642.5 (MANE Select); 10 bases into the intron before coding-DNA position 1069, A replaced by G.
Molecular consequence: intron variant.
Genome position (GRCh38, 1-based): chr1:243,330,530, A>G. VCF-style: chr1-243330530-A-G. GRCh37 (hg19) VCF-style: chr1-243493832-A-G.
Other names: c.775-10A>G (NM_001350249.2); c.166-10A>G (NM_001350251.2, NM_001350246.2, NM_001350247.2); c.1165-10A>G (NM_001350248.2).
Identifiers: ClinVar variation 3357280 (VCV003357280.1).
Genomic context (GRCh38, chr1:243,330,530, plus strand): 5'-TAATTATGTCATTTTACCTATATTTTTTCCAAATTCTAACCTCCTCTTTCAATCTGTTCT[A>G]TCCTGGCAGGCTTTAATCCAGTGTGACCAGTTGAGGAAGGAGCTGGAGAGGCAGGCGGAG-3'